The following is an entry in ClinVar:

ClinVar aggregate classification (germline): Uncertain significance (1 of 4 stars; one submission).

Allele frequency attached by ClinVar (database versions not stated): gnomAD exomes 0.00001; gnomAD 0.00005; TOPMed 0.00013.
gnomAD v4.1: 15 of 1,614,086 alleles (0.00093%); highest among the groups gnomAD compares: Admixed American, 0.017%; no homozygotes.

Submission:

Ambry Genetics
Classification: Uncertain significance. Last evaluated: 2024-12-20. Review status: criteria provided, single submitter. Criteria: Ambry Variant Classification Scheme 2023. Collection method: clinical testing. Allele origin: germline.
Comment: The p.E1026A variant (also known as c.3077A>C), located in coding exon 1 of the TET2 gene, results from an A to C substitution at nucleotide position 3077. The glutamic acid at codon 1026 is replaced by alanine, an amino acid with dissimilar properties. This amino acid position is conserved. In addition, the in silico prediction for this alteration is inconclusive. Based on the available evidence, the clinical significance of this variant remains unclear.

NM_001127208.3(TET2):c.3077A>C (p.Glu1026Ala)

Genes: TET2 (tet methylcytosine dioxygenase 2; plus strand), TET2-AS1 (TET2 antisense RNA 1; minus strand). Cytogenetic location: 4q24.
Variant type: single nucleotide variant.
Coding change: c.3077A>C on transcript NM_001127208.3 (MANE Select); coding-DNA position 3077, A replaced by C.
Protein change: p.Glu1026Ala; replaces glutamic acid 1026 with alanine.
Molecular consequence: missense variant.
Genome position (GRCh38, 1-based): chr4:105,237,019, A>C. VCF-style: chr4-105237019-A-C. GRCh37 (hg19) VCF-style: chr4-106158176-A-C.
Other names: c.3077A>C, p.Glu1026Ala (NM_017628.4); short protein forms E1026A.
Identifiers: ClinVar variation 3176236 (VCV003176236.2), dbSNP rs1018559733, ClinGen allele CA102753468.